The following is an entry in ClinVar:

NM_030912.3(TRIM8):c.1630T>C (p.Ser544Pro)

Gene: TRIM8 (tripartite motif containing 8; plus strand). Cytogenetic location: 10q24.32.
Variant type: single nucleotide variant.
Coding change: c.1630T>C on transcript NM_030912.3 (MANE Select); coding-DNA position 1630, T replaced by C.
Protein change: p.Ser544Pro; replaces serine 544 with proline.
Molecular consequence: missense variant. On other transcripts: non-coding transcript variant (1).
Genome position (GRCh38, 1-based): chr10:102,657,328, T>C. VCF-style: chr10-102657328-T-C. GRCh37 (hg19) VCF-style: chr10-104417085-T-C.
Other names: c.1534T>C, p.Ser512Pro (NM_001345950.1); short protein forms S544P, S512P.
Identifiers: ClinVar variation 2785034 (VCV002785034.3), dbSNP rs2064034973, ClinGen allele CA377933596.

ClinVar aggregate classification (germline): Uncertain significance (1 of 4 stars; one submission).

Allele frequency attached by ClinVar (database versions not stated): gnomAD exomes below 0.00001.

Submission:

Labcorp Genetics (formerly Invitae), Labcorp
Classification: Uncertain significance. Last evaluated: 2023-09-23. Review status: criteria provided, single submitter. Criteria: Invitae Variant Classification Sherloc (09022015). Collection method: clinical testing. Allele origin: germline.
Comment: This sequence change replaces serine, which is neutral and polar, with proline, which is neutral and non-polar, at codon 544 of the TRIM8 protein (p.Ser544Pro). In summary, the available evidence is currently insufficient to determine the role of this variant in disease. Therefore, it has been classified as a Variant of Uncertain Significance. An algorithm developed to predict the effect of missense changes on protein structure and function (PolyPhen-2) suggests that this variant is likely to be disruptive. This variant has not been reported in the literature in individuals affected with TRIM8-related conditions. This variant is not present in population databases (gnomAD no frequency).